The following is an entry in ClinVar:

ClinVar aggregate classification (germline): Uncertain significance. Review status: criteria provided, multiple submitters, no conflicts (2 of 4 stars). 2 submissions from 2 submitters: Uncertain significance (2). Last evaluated 2023-12-19.

Allele frequency attached by ClinVar (database versions not stated): gnomAD exomes below 0.00001; ExAC 0.00001; TOPMed 0.00001.
gnomAD v4.1: 1 of 1,613,936 alleles (0.000062%); highest among the groups gnomAD compares: Non-Finnish European, 0.000085%; no homozygotes.

Submissions (2):

Labcorp Genetics (formerly Invitae), Labcorp
Classification: Uncertain significance. Last evaluated: 2023-12-19. Review status: criteria provided, single submitter. Criteria: Invitae Variant Classification Sherloc (09022015). Collection method: clinical testing. Allele origin: germline.
Comment: This sequence change replaces tryptophan, which is neutral and slightly polar, with cysteine, which is neutral and slightly polar, at codon 125 of the CACNA1D protein (p.Trp125Cys). This variant is not present in population databases (gnomAD no frequency). This variant has not been reported in the literature in individuals affected with CACNA1D-related conditions. ClinVar contains an entry for this variant (Variation ID: 2416822). An algorithm developed to predict the effect of missense changes on protein structure and function (PolyPhen-2) suggests that this variant is likely to be disruptive. In summary, the available evidence is currently insufficient to determine the role of this variant in disease. Therefore, it has been classified as a Variant of Uncertain Significance.

GeneDx
Classification: Uncertain significance. Last evaluated: 2023-06-02. Review status: criteria provided, single submitter. Criteria: GeneDx Variant Classification Process June 2021. Collection method: clinical testing. Allele origin: germline. Affected: yes.
Comment: Not observed at significant frequency in large population cohorts (gnomAD); In silico analysis supports that this missense variant has a deleterious effect on protein structure/function; Has not been previously published as pathogenic or benign to our knowledge

NM_001128840.3(CACNA1D):c.375G>C (p.Trp125Cys)

Gene: CACNA1D (calcium voltage-gated channel subunit alpha1 D; plus strand). Cytogenetic location: 3p21.1.
Variant type: single nucleotide variant.
Coding change: c.375G>C on transcript NM_001128840.3 (MANE Select); coding-DNA position 375, G replaced by C.
Protein change: p.Trp125Cys; replaces tryptophan 125 with cysteine.
Molecular consequence: missense variant.
Genome position (GRCh38, 1-based): chr3:53,497,459, G>C. VCF-style: chr3-53497459-G-C. GRCh37 (hg19) VCF-style: chr3-53531486-G-C.
Other names: c.375G>C (NM_000720.2); c.375G>C, p.Trp125Cys (NM_000720.4, NM_001128839.3); short protein forms W125C.
Identifiers: ClinVar variation 2416822 (VCV002416822.7), dbSNP rs751400848, ClinGen allele CA2453662.
Genomic context (GRCh38, chr3:53,497,459, plus strand): 5'-CCTTTTCTGTTTATCACTCAATAACCCCATCCGAAGAGCCTGCATTAGTATAGTGGAATG[G>C]AAGTATCCTTTTTTTGGGGGAAGTCTTTCTCATTTTCTCTTTTACCATCTGTTTTTTAAA-3'
Protein context (NP_001122312.1, residues 115-135): IRRACISIVE[Trp125Cys]KPFDIFILLA